The following is an entry in ClinVar:

ClinVar aggregate classification (germline): Likely benign (0 of 4 stars; one submission).

Conditions:
INVS-related disorder. Also called: INVS-related condition.

Allele frequency attached by ClinVar (database versions not stated): TOPMed below 0.00001.
gnomAD v4.1: 1 of 1,591,770 alleles (0.000063%); highest among the groups gnomAD compares: Non-Finnish European, 0.000086%; no homozygotes.

Submission:

PreventionGenetics, part of Exact Sciences
Classification: Likely benign for INVS-related condition. Last evaluated: 2023-09-21. Review status: no assertion criteria provided. Collection method: clinical testing. Allele origin: germline.
Comment: This variant is classified as likely benign based on ACMG/AMP sequence variant interpretation guidelines (Richards et al. 2015 PMID: 25741868, with internal and published modifications).

NM_014425.5(INVS):c.1464+10C>G

Gene: INVS (inversin; plus strand). Cytogenetic location: 9q31.1.
Variant type: single nucleotide variant.
Coding change: c.1464+10C>G on transcript NM_014425.5 (MANE Select); 10 bases into the intron after coding-DNA position 1464, C replaced by G.
Molecular consequence: intron variant.
Genome position (GRCh38, 1-based): chr9:100,253,146, C>G. VCF-style: chr9-100253146-C-G. GRCh37 (hg19) VCF-style: chr9-103015428-C-G.
Other names: c.1176+10C>G (NM_001318381.2); c.486+10C>G (NM_001318382.2).
Identifiers: ClinVar variation 3060132 (VCV003060132.2), dbSNP rs1185160222, ClinGen allele CA1867724924.